The following is an entry in ClinVar:

NM_014017.4(LAMTOR2):c.47C>T (p.Thr16Ile)

Gene: LAMTOR2 (late endosomal/lysosomal adaptor, MAPK and MTOR activator 2; plus strand). Cytogenetic location: 1q22.
Variant type: single nucleotide variant.
Coding change: c.47C>T on transcript NM_014017.4 (MANE Select); coding-DNA position 47, C replaced by T.
Protein change: p.Thr16Ile; replaces threonine 16 with isoleucine.
Molecular consequence: missense variant.
Genome position (GRCh38, 1-based): chr1:156,054,936, C>T. VCF-style: chr1-156054936-C-T. GRCh37 (hg19) VCF-style: chr1-156024727-C-T.
Other names: c.47C>T, p.Thr16Ile (NM_001145264.2); c.47C>T (NM_014017.3); short protein forms T16I.
Identifiers: ClinVar variation 1000497 (VCV001000497.13), dbSNP rs763874836, ClinGen allele CA1154286.
Genomic context (GRCh38, chr1:156,054,936, plus strand): 5'-TAGGAACCGTAGGCATGCTGCGCCCCAAGGCTTTGACCCAGGTGCTAAGCCAAGCCAACA[C>T]TGGAGGCGTCCAGAGCACCCTGTGAGTGCAGACCACGGACCCGAGCGGCGAGCGCTGCAG-3'
Protein context (NP_054736.1, residues 6-26): ALTQVLSQAN[Thr16Ile]GGVQSTLLLN

ClinVar aggregate classification (germline): Uncertain significance. Review status: criteria provided, multiple submitters, no conflicts (2 of 4 stars). 3 submissions from 3 submitters: Uncertain significance (3). Last evaluated 2025-12-11.

Conditions:
Primary immunodeficiency syndrome due to p14 deficiency. Identifiers: Orphanet 90023, MedGen C1835829, MONDO:0012559, OMIM 610798.

Allele frequency attached by ClinVar (database versions not stated): ExAC 0.00001; gnomAD 0.00001; gnomAD exomes 0.00001; TOPMed 0.00002.
gnomAD v4.1: 5 of 1,612,700 alleles (0.00031%); highest among the groups gnomAD compares: Non-Finnish European, 0.00042%; no homozygotes.

Submissions (3):

Labcorp Genetics (formerly Invitae), Labcorp
Classification: Uncertain significance. Last evaluated: 2025-12-11. Review status: criteria provided, single submitter. Criteria: Invitae Variant Classification Sherloc (09022015). Collection method: clinical testing. Allele origin: germline.
Comment: This sequence change replaces threonine, which is neutral and polar, with isoleucine, which is neutral and non-polar, at codon 16 of the LAMTOR2 protein (p.Thr16Ile). This variant is present in population databases (rs763874836, gnomAD 0.004%). This variant has not been reported in the literature in individuals affected with LAMTOR2-related conditions. ClinVar contains an entry for this variant (Variation ID: 1000497). An algorithm developed to predict the effect of missense changes on protein structure and function (PolyPhen-2) suggests that this variant is likely to be disruptive. In summary, the available evidence is currently insufficient to determine the role of this variant in disease. Therefore, it has been classified as a Variant of Uncertain Significance.

Ambry Genetics
Classification: Uncertain significance. Last evaluated: 2025-01-27. Review status: criteria provided, single submitter. Criteria: Ambry Variant Classification Scheme 2023. Collection method: clinical testing. Allele origin: germline.

Revvity Omics, Revvity
Classification: Uncertain significance for Primary immunodeficiency syndrome due to p14 deficiency. Last evaluated: 2020-02-11. Review status: criteria provided, single submitter. Criteria: ACMG Guidelines, 2015. Collection method: clinical testing. Allele origin: germline.